The following is an entry in ClinVar:

ClinVar aggregate classification (germline): Uncertain significance (1 of 4 stars; one submission).

Conditions:
Werner syndrome (WRN). Identifiers: Orphanet 902, MedGen C0043119, MONDO:0010196, OMIM 277700.

Allele frequency attached by ClinVar (database versions not stated): gnomAD 0.00001; TOPMed 0.00001.

Submission:

Labcorp Genetics (formerly Invitae), Labcorp
Classification: Uncertain significance for Werner syndrome. Last evaluated: 2019-01-29. Review status: criteria provided, single submitter. Criteria: Invitae Variant Classification Sherloc (09022015). Collection method: clinical testing. Allele origin: germline.
Comment: This sequence change replaces asparagine with serine at codon 455 of the WRN protein (p.Asn455Ser). The asparagine residue is weakly conserved and there is a small physicochemical difference between asparagine and serine. This variant is not present in population databases (ExAC no frequency). This variant has not been reported in the literature in individuals with WRN-related conditions. Algorithms developed to predict the effect of missense changes on protein structure and function (SIFT, PolyPhen-2, Align-GVGD) all suggest that this variant is likely to be tolerated, but these predictions have not been confirmed by published functional studies and their clinical significance is uncertain. Algorithms developed to predict the effect of sequence changes on RNA splicing suggest that this variant may create or strengthen a splice site, but this prediction has not been confirmed by published transcriptional studies. In summary, the available evidence is currently insufficient to determine the role of this variant in disease. Therefore, it has been classified as a Variant of Uncertain Significance.

NM_000553.6(WRN):c.1364A>G (p.Asn455Ser)

Gene: WRN (WRN RecQ like helicase; plus strand). Cytogenetic location: 8p12.
Variant type: single nucleotide variant.
Coding change: c.1364A>G on transcript NM_000553.6 (MANE Select); coding-DNA position 1364, A replaced by G.
Protein change: p.Asn455Ser; replaces asparagine 455 with serine.
Molecular consequence: missense variant.
Genome position (GRCh38, 1-based): chr8:31,085,179, A>G. VCF-style: chr8-31085179-A-G. GRCh37 (hg19) VCF-style: chr8-30942695-A-G.
Other names: short protein forms N455S.
Identifiers: ClinVar variation 856660 (VCV000856660.2), dbSNP rs1445851476, ClinGen allele CA370923690.